The following is an entry in ClinVar:

NM_001099274.3(TINF2):c.1058dup (p.Glu354fs)

Gene: TINF2 (TERF1 interacting nuclear factor 2; minus strand). Cytogenetic location: 14q12.
Variant type: Duplication.
Coding change: c.1058dup on transcript NM_001099274.3 (MANE Select); coding-DNA position 1058, one base duplicated (A; older notation c.1058dupA).
Protein change: p.Glu354fs; shifts the reading frame from glutamic acid 354.
Molecular consequence: frameshift variant.
Genome position (GRCh38, 1-based): chr14:24,240,422, T duplicated on the plus strand (A on the coding strand, the reverse complement: TINF2 is on the minus strand); the first of 4 consecutive T bases (chr14:24,240,422-24,240,425); duplicating any one gives the same sequence. VCF-style (leftmost placement, unchanged base first): chr14-24240421-C-CT. GRCh37 (hg19) VCF-style: chr14-24709627-C-CT.
Other names: c.953dup, p.Glu319fs (NM_001363668.2); c.1058dup, p.Glu354fs (NM_012461.3); short protein forms E319fs, E354fs.
Identifiers: ClinVar variation 1323689 (VCV001323689.6), dbSNP rs2040546606, ClinGen allele CA2123849112.

ClinVar aggregate classification (germline): Uncertain significance (1 of 4 stars; one submission).

Conditions:
Dyskeratosis congenita. Identifiers: Orphanet 1775, MedGen C0265965, MONDO:0015780.

Submission:

Labcorp Genetics (formerly Invitae), Labcorp
Classification: Uncertain significance for Dyskeratosis congenita. Last evaluated: 2022-07-23. Review status: criteria provided, single submitter. Criteria: Invitae Variant Classification Sherloc (09022015). Collection method: clinical testing. Allele origin: germline.
Comment: This variant is not present in population databases (gnomAD no frequency). This variant has not been reported in the literature in individuals affected with TINF2-related conditions. ClinVar contains an entry for this variant (Variation ID: 1323689). In summary, the available evidence is currently insufficient to determine the role of this variant in disease. Therefore, it has been classified as a Variant of Uncertain Significance. This sequence change creates a premature translational stop signal (p.Glu354Glyfs*19) in the TINF2 gene. It is expected to result in an absent or disrupted protein product. However, the current clinical and genetic evidence is not sufficient to establish whether loss-of-function variants in TINF2 cause disease.